The following is an entry in ClinVar:

ClinVar aggregate classification (germline): Pathogenic/Likely pathogenic. Review status: criteria provided, multiple submitters, no conflicts (2 of 4 stars). 6 submissions from 6 submitters: Pathogenic (5); Likely pathogenic (1). Last evaluated 2026-09-08.

Conditions:
Fabry disease. Also called: Fabry's disease; GLA DEFICIENCY; HEREDITARY DYSTOPIC LIPIDOSIS; Ceramide trihexosidosis; Angiokeratoma corporis diffusum; ANDERSON-FABRY DISEASE. Identifiers: Orphanet 324, MedGen C0002986, MONDO:0010526, OMIM 301500, HP:0001071. Disease mechanism: loss of function, Fabry disease is due to inactivating mutations in the X-linked GLA gene resulting in deficiency of the enzyme Alpha Galactosidase-A..

Submissions (6):

Genomenon, Inc
Classification: Pathogenic for Fabry disease. Last evaluated: 2026-09-08. Review status: criteria provided, single submitter. Criteria: Genomenon Sequence Variant Interpretation Standards - Updated. Collection method: curation. Allele origin: germline. Affected: yes.
Comment: GLA p.Thr141Ile (c.422C>T) is a missense variant that changes the amino acid at codon 141 from Threonine to Isoleucine. This variant has been observed in at least one proband with clinical features consistent with Fabry disease (PMID:29631605;28736719;20022777;23430946;12175777;37626912). At least one functional study has demonstrated a substantial alteration in protein function relative to the wild-type (PMID:32023956;27657681). This variant is located in a mutational hotspot and/or important functional domain. It is absent or not present at a significant frequency in gnomAD. In silico models predict that this variant is possibly or probably damaging. In conclusion, we classify GLA p.Thr141Ile (c.422C>T) as a pathogenic variant.

Labcorp Genetics (formerly Invitae), Labcorp
Classification: Likely pathogenic for Fabry disease. Last evaluated: 2024-08-20. Review status: criteria provided, single submitter. Criteria: Invitae Variant Classification Sherloc (09022015). Collection method: clinical testing. Allele origin: germline.
Comment: This sequence change replaces threonine, which is neutral and polar, with isoleucine, which is neutral and non-polar, at codon 141 of the GLA protein (p.Thr141Ile). This variant is not present in population databases (gnomAD no frequency). This missense change has been observed in individual(s) with Fabry disease (PMID: 12175777, 24094560, 29631605). ClinVar contains an entry for this variant (Variation ID: 285570). Invitae Evidence Modeling of protein sequence and biophysical properties (such as structural, functional, and spatial information, amino acid conservation, physicochemical variation, residue mobility, and thermodynamic stability) indicates that this missense variant is expected to disrupt GLA protein function with a positive predictive value of 80%. Experimental studies have shown that this missense change affects GLA function (PMID: 23935525, 27657681). In summary, the currently available evidence indicates that the variant is pathogenic, but additional data are needed to prove that conclusively. Therefore, this variant has been classified as Likely Pathogenic.

Genome-Nilou Lab
Classification: Pathogenic for Fabry disease. Last evaluated: 2021-07-15. Review status: criteria provided, single submitter. Criteria: ACMG Guidelines, 2015. Collection method: clinical testing. Allele origin: germline. Affected: no.

Revvity Omics, Revvity
Classification: Pathogenic. Last evaluated: 2021-04-27. Review status: criteria provided, single submitter. Criteria: ACMG Guidelines, 2015. Collection method: clinical testing. Allele origin: germline.

Women's Health and Genetics/Laboratory Corporation of America, LabCorp
Classification: Pathogenic for Fabry disease. Last evaluated: 2021-03-12. Review status: criteria provided, single submitter. Criteria: LabCorp Variant Classification Summary - May 2015. Collection method: clinical testing. Allele origin: germline.
Comment: Variant summary: GLA c.422C>T (p.Thr141Ile) results in a non-conservative amino acid change in the encoded protein sequence. Five of five in-silico tools predict a damaging effect of the variant on protein function. The variant was absent in 183470 control chromosomes (gnomAD). c.422C>T has been reported in the literature in individuals affected with Fabry Disease (example: Shabbeer_2002, Boyd_2013, Sirrs_2010, Vieitez_2018, Fuller_2005). These data indicate that the variant is likely to be associated with disease. In vitro functional studies report below level of detection (Benjamin_2016) to no enzymatic activity with/without the pharmacological chaperone 1-deoxygalactonojirimycin (DGJ) (Lukas_2013). The variant was also reported among mutations that are not amenable to Migalastat (Benjamin_2016). One other ClinVar submitter (evaluation after 2014) cite the variant as pathogenic. Based on the evidence outlined above, the variant was classified as pathogenic.

Eurofins Ntd Llc (ga)
Classification: Pathogenic. Last evaluated: 2015-12-23. Review status: criteria provided, single submitter. Criteria: EGL Classification Definitions 2015. Collection method: clinical testing. Allele origin: germline.

Literature cited by the submitters: PubMed 29631605 (cited by 3 submitters); PubMed 28736719 (cited by Genomenon, Inc); PubMed 20022777 (cited by Genomenon, Inc and Women's Health and Genetics/Laboratory Corporation of America, LabCorp); PubMed 23430946 (cited by Genomenon, Inc); PubMed 12175777 (cited by 3 submitters); PubMed 37626912 (cited by Genomenon, Inc); PubMed 32023956 (cited by Genomenon, Inc); PubMed 27657681 (cited by 3 submitters); PubMed 24094560 (cited by Labcorp Genetics (formerly Invitae), Labcorp and Women's Health and Genetics/Laboratory Corporation of America, LabCorp); PubMed 23935525 (cited by Labcorp Genetics (formerly Invitae), Labcorp and Women's Health and Genetics/Laboratory Corporation of America, LabCorp); PubMed 15695328 (cited by Women's Health and Genetics/Laboratory Corporation of America, LabCorp).

NM_000169.3(GLA):c.422C>T (p.Thr141Ile)

Genes: GLA (galactosidase alpha; minus strand), RPL36A-HNRNPH2 (RPL36A-HNRNPH2 readthrough; plus strand). Cytogenetic location: Xq22.1.
Variant type: single nucleotide variant.
Coding change: c.422C>T on transcript NM_000169.3 (MANE Select); coding-DNA position 422, C replaced by T.
Protein change: p.Thr141Ile; replaces threonine 141 with isoleucine.
Molecular consequence: missense variant. On other transcripts: non-coding transcript variant (3), intron variant (2).
Genome position (GRCh38, 1-based): chrX:101,401,757, G>A on the plus strand (C>T on the coding strand, the complement: GLA is on the minus strand). VCF-style: chrX-101401757-G-A. GRCh37 (hg19) VCF-style: chrX-100656745-G-A.
Other names: c.545C>T, p.Thr182Ile (NM_001406747.1, NM_001406749.1); c.422C>T, p.Thr141Ile (NM_001406748.1); c.300+6300G>A (NM_001199973.2); c.177+9935G>A (NM_001199974.2); short protein forms T141I, T182I.
Identifiers: ClinVar variation 285570 (VCV000285570.23), dbSNP rs886044843, ClinGen allele CA10605161.